The following is an entry in ClinVar:

NM_000059.4(BRCA2):c.9404T>G (p.Leu3135Arg)

Gene: BRCA2 (BRCA2 DNA repair associated; plus strand). Cytogenetic location: 13q13.1.
Variant type: single nucleotide variant.
Coding change: c.9404T>G on transcript NM_000059.4 (MANE Select); coding-DNA position 9404, T replaced by G.
Protein change: p.Leu3135Arg; replaces leucine 3135 with arginine.
Molecular consequence: missense variant.
Genome position (GRCh38, 1-based): chr13:32,394,836, T>G. VCF-style: chr13-32394836-T-G. GRCh37 (hg19) VCF-style: chr13-32968973-T-G.
Other names: short protein forms L3135R.
Identifiers: ClinVar variation 1016003 (VCV001016003.9), dbSNP rs2073023723, ClinGen allele CA387761383.

ClinVar aggregate classification (germline): Uncertain significance (1 of 4 stars; one submission).

Conditions:
Hereditary breast ovarian cancer syndrome. Also called: Hereditary breast and ovarian cancer syndrome (HBOC); Hereditary breast and/or ovarian cancer syndrome; BRCA1- and BRCA2-Associated Hereditary Breast and Ovarian Cancer; Hereditary breast and ovarian cancer syndrome; Hereditary breast and ovarian cancer; Breast and ovarian cancer. Identifiers: Orphanet 145, MedGen C0677776, MeSH D061325, MONDO:0003582. Disease mechanism: loss of function.

Submission:

Labcorp Genetics (formerly Invitae), Labcorp
Classification: Uncertain significance for Hereditary breast ovarian cancer syndrome. Last evaluated: 2020-07-23. Review status: criteria provided, single submitter. Criteria: Invitae Variant Classification Sherloc (09022015). Collection method: clinical testing. Allele origin: germline.
Comment: In summary, the available evidence is currently insufficient to determine the role of this variant in disease. Therefore, it has been classified as a Variant of Uncertain Significance. Advanced modeling of protein sequence and biophysical properties (such as structural, functional, and spatial information, amino acid conservation, physicochemical variation, residue mobility, and thermodynamic stability) performed at Invitae indicates that this missense variant is not expected to disrupt BRCA2 protein function. This variant has not been reported in the literature in individuals with BRCA2-related conditions. This variant is not present in population databases (ExAC no frequency). This sequence change replaces leucine with arginine at codon 3135 of the BRCA2 protein (p.Leu3135Arg). The leucine residue is weakly conserved and there is a moderate physicochemical difference between leucine and arginine.